The following is an entry in ClinVar:

ClinVar aggregate classification (germline): Pathogenic (1 of 4 stars; one submission).

Conditions:
Fabry disease. Also called: ALPHA-GALACTOSIDASE A DEFICIENCY; ANDERSON-FABRY DISEASE; CERAMIDE TRIHEXOSIDASE DEFICIENCY; GLA DEFICIENCY; HEREDITARY DYSTOPIC LIPIDOSIS; Angiokeratoma corporis diffusum. Identifiers: Orphanet 324, MedGen C0002986, MONDO:0010526, OMIM 301500, HP:0001071. Disease mechanism: Fabry disease is due to inactivating mutations in the X-linked GLA gene resulting in deficiency of the enzyme Alpha Galactosidase-A., loss of function.

Submission:

Genomenon, Inc
Classification: Pathogenic for Fabry disease. Last evaluated: 2026-09-08. Review status: criteria provided, single submitter. Criteria: Genomenon Sequence Variant Interpretation Standards - Updated. Collection method: curation. Allele origin: germline. Affected: yes.
Comment: GLA p.Trp162CysfsTer2 (c.486_498del) is a frameshift variant that is predicted to introduce a premature termination codon and result in a truncated or absent protein product. This variant has been observed in at least one proband with clinical features consistent with Fabry disease (PMID:12175777). It is absent or not present at a significant frequency in gnomAD. In conclusion, we classify GLA p.Trp162CysfsTer2 (c.486_498del) as a pathogenic variant.

Literature cited by the submitters: PubMed 12175777.

NM_000169.3(GLA):c.486_498del (p.Trp162fs)

Genes: GLA (galactosidase alpha; minus strand), RPL36A-HNRNPH2 (RPL36A-HNRNPH2 readthrough; plus strand). Cytogenetic location: Xq22.1.
Variant type: Deletion.
Coding change: c.486_498del on transcript NM_000169.3 (MANE Select); coding-DNA positions 486 to 498, 13 bases deleted (GGGAGTAGATCTG).
Protein change: p.Trp162fs; shifts the reading frame from tryptophan 162.
Molecular consequence: frameshift variant. On other transcripts: non-coding transcript variant (3), intron variant (2).
Genome position (GRCh38, 1-based): chrX:101,401,681-101,401,693, CAGATCTACTCCC deleted on the plus strand (GGGAGTAGATCTG on the coding strand, the reverse complement: GLA is on the minus strand); deleting any 13 consecutive bases within chrX:101,401,681-101,401,696 gives the same sequence; the c. name uses the placement nearest the transcript's 3' end. VCF-style (leftmost placement, unchanged base first): chrX-101401680-GCAGATCTACTCCC-G. GRCh37 (hg19) VCF-style: chrX-100656668-GCAGATCTACTCCC-G.
Other names: c.609_621del, p.Trp203fs (NM_001406747.1, NM_001406749.1); c.486_498del, p.Trp162fs (NM_001406748.1); c.300+6227_300+6239del (NM_001199973.2); c.177+9862_177+9874del (NM_001199974.2); short protein forms W162fs, W203fs.
Identifiers: ClinVar variation 4086969 (VCV004086969.2).